The following is an entry in ClinVar:

ClinVar aggregate classification (germline): Likely pathogenic. Review status: criteria provided, multiple submitters, no conflicts (2 of 4 stars). 2 submissions from 2 submitters: Likely pathogenic (2). Last evaluated 2023-01-05.

Conditions:
Hereditary cancer-predisposing syndrome. Also called: Tumor predisposition; Neoplastic Syndromes, Hereditary; Hereditary neoplastic syndrome; Hereditary Cancer Syndrome. Identifiers: Orphanet 140162, MedGen C0027672, MeSH D009386, MONDO:0015356.
Cardiovascular phenotype. Identifiers: MedGen CN230736.
Neurofibromatosis, type 1 (NF1). Also called: VON RECKLINGHAUSEN DISEASE; Peripheral type neurofibromatosis; NEUROFIBROMATOSIS, TYPE I, SOMATIC; Neurofibromatosis, type I. Identifiers: Orphanet 636, MedGen C0027831, MONDO:0018975, OMIM 162200. Disease mechanism: loss of function.

Submissions (2):

Ambry Genetics
Classification: Likely pathogenic for Cardiovascular phenotype; Hereditary cancer-predisposing syndrome. Last evaluated: 2023-01-05. Review status: criteria provided, single submitter. Criteria: Ambry Variant Classification Scheme 2023. Collection method: clinical testing. Allele origin: germline.
Comment: The p.L58R variant (also known as c.173T>G), located in coding exon 2 of the NF1 gene, results from a T to G substitution at nucleotide position 173. The leucine at codon 58 is replaced by arginine, an amino acid with dissimilar properties. This alteration has been observed in at multiple individuals with a personal and/or family history that is consistent with NF1-related disease (Ambry internal data; van Minkelen R et al. Clin Genet, 2014 Apr;85:318-27). Additionally, structural analysis demonstrates that this alteration is disruptive to the N-terminal HEAT repeat domain (Ambry internal data; Naschberger A et al. Nature, 2021 Nov;599:315-319; Lupton CJ et al. Nat Struct Mol Biol, 2021 Dec;28:982-988; Chaker-Margot M et al. Mol Cell, 2022 Apr;82:1288-1296.e5; Sherekar M et al. J Biol Chem, 2020 Jan;295:1105-1119). This amino acid position is highly conserved in available vertebrate species. In addition, this alteration is predicted to be deleterious by in silico analysis. This variant is considered to be rare based on population cohorts in the Genome Aggregation Database (gnomAD). Based on the majority of available evidence to date, this variant is likely to be pathogenic.

Labcorp Genetics (formerly Invitae), Labcorp
Classification: Likely pathogenic for Neurofibromatosis, type 1. Last evaluated: 2020-10-14. Review status: criteria provided, single submitter. Criteria: Invitae Variant Classification Sherloc (09022015). Collection method: clinical testing. Allele origin: germline.
Comment: This variant has been observed in individual(s) with neurofibromatosis type 1 (Invitae). This variant is not present in population databases (ExAC no frequency). This sequence change replaces leucine with arginine at codon 58 of the NF1 protein (p.Leu58Arg). The leucine residue is highly conserved and there is a moderate physicochemical difference between leucine and arginine. Advanced modeling of protein sequence and biophysical properties (such as structural, functional, and spatial information, amino acid conservation, physicochemical variation, residue mobility, and thermodynamic stability) performed at Invitae indicates that this missense variant is expected to disrupt NF1 protein function. In summary, the currently available evidence indicates that the variant is pathogenic, but additional data are needed to prove that conclusively. Therefore, this variant has been classified as Likely Pathogenic.

NM_001042492.3(NF1):c.173T>G (p.Leu58Arg)

Gene: NF1 (neurofibromin 1; plus strand). Cytogenetic location: 17q11.2.
Variant type: single nucleotide variant.
Coding change: c.173T>G on transcript NM_001042492.3 (MANE Select); coding-DNA position 173, T replaced by G.
Protein change: p.Leu58Arg; replaces leucine 58 with arginine.
Molecular consequence: missense variant.
Genome position (GRCh38, 1-based): chr17:31,156,095, T>G. VCF-style: chr17-31156095-T-G. GRCh37 (hg19) VCF-style: chr17-29483113-T-G.
Other names: c.173T>G, p.Leu58Arg (NM_000267.4, NM_001128147.3); short protein forms L58R.
Identifiers: ClinVar variation 1066638 (VCV001066638.7), dbSNP rs1597626094, ClinGen allele CA398988644.
Genomic context (GRCh38, chr17:31,156,095, plus strand): 5'-ACAACAAGGAATGTCTAATCAATATTTCCAAATACAAGTTTTCTTTGGTTATAAGCGGCC[T>G]CACTACTATTTTAAAGAATGTTAACAATATGGTGAGTATTTGGGTTACTGTGTTTTGGGG-3'
Protein context (NP_001035957.1, residues 48-68): KYKFSLVISG[Leu58Arg]TTILKNVNNM